The following is an entry in ClinVar:

Single allele

Genes: ATP10A (ATPase phospholipid transporting 10A (putative); minus strand), GABRA5 (gamma-aminobutyric acid type A receptor subunit alpha5; plus strand), GABRB3 (gamma-aminobutyric acid type A receptor subunit beta3; minus strand), GABRG3 (gamma-aminobutyric acid type A receptor subunit gamma3; plus strand), HERC2 (HECT and RLD domain containing E3 ubiquitin protein ligase 2; minus strand) and 18 more. Cytogenetic location: 15q11.2-13.1.
Variant type: Deletion.
Identifiers: ClinVar variation 375417 (VCV000375417.1).

ClinVar aggregate classification (germline): Pathogenic (1 of 4 stars; one submission).

Conditions:
Prader-Willi syndrome (PWS). Identifiers: Orphanet 739, MedGen C0032897, MONDO:0008300, OMIM 176270. Disease mechanism: loss of function, Microdeletion. Inheritance: Microdletion.

Submission:

Lupski Lab, Baylor-Hopkins CMG, Baylor College of Medicine
Classification: Pathogenic for Prader-Willi syndrome. Review status: criteria provided, single submitter. Criteria: Jehee et al. (Am J Med Genet A. 2017). Collection method: research. Allele origin: germline. Inheritance: Autosomal dominant inheritance. Affected: yes.
Comment: This deletion of 15q11q13 is de novo and represents the typical recurrent type 2 deletion.